The following is an entry in ClinVar:

ClinVar aggregate classification (germline): Uncertain significance (1 of 4 stars; one submission).

Conditions:
Cardiovascular phenotype. Identifiers: MedGen CN230736.

Allele frequency attached by ClinVar (database versions not stated): TOPMed below 0.00001.

Submission:

Ambry Genetics
Classification: Uncertain significance for Cardiovascular phenotype. Last evaluated: 2023-04-24. Review status: criteria provided, single submitter. Criteria: Ambry Variant Classification Scheme 2023. Collection method: clinical testing. Allele origin: germline.
Comment: The p.G497S variant (also known as c.1489G>A), located in coding exon 8 of the ALMS1 gene, results from a G to A substitution at nucleotide position 1489. The glycine at codon 497 is replaced by serine, an amino acid with similar properties. This amino acid position is not well conserved in available vertebrate species. In addition, this alteration is predicted to be tolerated by in silico analysis. Since supporting evidence is limited at this time, the clinical significance of this alteration remains unclear.

NM_001378454.1(ALMS1):c.1486G>A (p.Gly496Ser)

Gene: ALMS1 (ALMS1 centrosome and basal body associated protein; plus strand). Cytogenetic location: 2p13.1.
Variant type: single nucleotide variant.
Coding change: c.1486G>A on transcript NM_001378454.1 (MANE Select); coding-DNA position 1486, G replaced by A.
Protein change: p.Gly496Ser; replaces glycine 496 with serine.
Molecular consequence: missense variant.
Genome position (GRCh38, 1-based): chr2:73,448,013, G>A. VCF-style: chr2-73448013-G-A. GRCh37 (hg19) VCF-style: chr2-73675143-G-A.
Other names: c.1489G>A, p.Gly497Ser (NM_015120.4); short protein forms G496S, G497S.
Identifiers: ClinVar variation 2564334 (VCV002564334.2), dbSNP rs1671840635, ClinGen allele CA347264540.